The following is an entry in ClinVar:

NM_199069.2(NDUFAF3):c.88C>G (p.Arg30Gly)

Genes: NDUFAF3 (NADH:ubiquinone oxidoreductase complex assembly factor 3; plus strand), LOC129936730 (ATAC-STARR-seq lymphoblastoid silent region 14350; plus strand). Cytogenetic location: 3p21.31.
Variant type: single nucleotide variant.
Coding change: c.88C>G on transcript NM_199069.2 (MANE Select); coding-DNA position 88, C replaced by G.
Protein change: p.Arg30Gly; replaces arginine 30 with glycine.
Molecular consequence: missense variant. On other transcripts: 5 prime UTR variant (3).
Genome position (GRCh38, 1-based): chr3:49,022,356, C>G. VCF-style: chr3-49022356-C-G. GRCh37 (hg19) VCF-style: chr3-49059789-C-G.
Other names: c.88C>G (NM_199069.1); c.-84C>G (NM_199070.2, NM_199073.2, NM_199074.2); short protein forms R30G.
Identifiers: ClinVar variation 1918231 (VCV001918231.4), dbSNP rs764790908, ClinGen allele CA2390185.

ClinVar aggregate classification (germline): Uncertain significance. Review status: criteria provided, multiple submitters, no conflicts (2 of 4 stars). 3 submissions from 3 submitters: Uncertain significance (3). Last evaluated 2024-04-17.

Conditions:
Inborn genetic diseases. Identifiers: MedGen C0950123, MeSH D030342.

Allele frequency attached by ClinVar (database versions not stated): gnomAD 0.00001; TOPMed 0.00001; ExAC 0.00003.
gnomAD v4.1: 29 of 1,611,920 alleles (0.0018%); highest among the groups gnomAD compares: Admixed American, 0.0033%; no homozygotes.

Submissions (3):

Blueprint Genetics
Classification: Uncertain significance. Last evaluated: 2024-04-17. Review status: criteria provided, single submitter. Criteria: ACMG Guidelines, 2015. Collection method: clinical testing. Allele origin: germline.

Ambry Genetics
Classification: Uncertain significance for Inborn genetic diseases. Last evaluated: 2024-03-31. Review status: criteria provided, single submitter. Criteria: Ambry Variant Classification Scheme 2023. Collection method: clinical testing. Allele origin: germline.

Labcorp Genetics (formerly Invitae), Labcorp
Classification: Uncertain significance. Last evaluated: 2022-09-27. Review status: criteria provided, single submitter. Criteria: Invitae Variant Classification Sherloc (09022015). Collection method: clinical testing. Allele origin: germline.
Comment: This sequence change replaces arginine, which is basic and polar, with glycine, which is neutral and non-polar, at codon 30 of the NDUFAF3 protein (p.Arg30Gly). This variant is present in population databases (rs764790908, gnomAD 0.006%). This variant has not been reported in the literature in individuals affected with NDUFAF3-related conditions. Algorithms developed to predict the effect of missense changes on protein structure and function (SIFT, PolyPhen-2, Align-GVGD) all suggest that this variant is likely to be disruptive. In summary, the available evidence is currently insufficient to determine the role of this variant in disease. Therefore, it has been classified as a Variant of Uncertain Significance.